The following is an entry in ClinVar:

ClinVar aggregate classification (germline): Likely benign. Review status: criteria provided, multiple submitters, no conflicts (2 of 4 stars). 2 submissions from 2 submitters: Likely benign (2). Last evaluated 2025-11-18.

Conditions:
ACADVL-related disorder. Also called: ACADVL-related condition.
Very long chain acyl-CoA dehydrogenase deficiency (ACADVLD). Also called: Very Long-Chain Acyl-Coenzyme A Dehydrogenase Deficiency; VLCAD Deficiency. Identifiers: Orphanet 26793, MedGen C3887523, MONDO:0008723, OMIM 201475.

Allele frequency attached by ClinVar (database versions not stated): gnomAD 0.00001; gnomAD exomes 0.00001.

Submissions (2):

Labcorp Genetics (formerly Invitae), Labcorp
Classification: Likely benign for Very long chain acyl-CoA dehydrogenase deficiency. Last evaluated: 2025-11-18. Review status: criteria provided, single submitter. Criteria: Invitae Variant Classification Sherloc (09022015). Collection method: clinical testing. Allele origin: germline.

PreventionGenetics, part of Exact Sciences
Classification: Likely benign for ACADVL-related condition. Last evaluated: 2025-01-23. Review status: criteria provided, single submitter. Criteria: ACMG Guidelines, 2015. Collection method: clinical testing. Allele origin: germline.
Comment: This variant is classified as likely benign based on ACMG/AMP sequence variant interpretation guidelines (Richards et al. 2015 PMID: 25741868, with internal and published modifications).

NM_000018.4(ACADVL):c.1333-7G>T

Gene: ACADVL (acyl-CoA dehydrogenase very long chain; plus strand). Cytogenetic location: 17p13.1.
Variant type: single nucleotide variant.
Coding change: c.1333-7G>T on transcript NM_000018.4 (MANE Select); 7 bases into the intron before coding-DNA position 1333, G replaced by T.
Molecular consequence: intron variant.
Genome position (GRCh38, 1-based): chr17:7,223,961, G>T. VCF-style: chr17-7223961-G-T. GRCh37 (hg19) VCF-style: chr17-7127280-G-T.
Other names: c.1402-7G>T (NM_001270447.2); c.1105-7G>T (NM_001270448.2); c.1267-7G>T (NM_001033859.3).
Identifiers: ClinVar variation 474883 (VCV000474883.9), dbSNP rs1228196483, ClinGen allele CA624860701.
Genomic context (GRCh38, chr17:7,223,961, plus strand): 5'-TCGGCTGGGCCAGGGGTGGGTAGGCACATCTCAGCACGGGCATATAATTTGTGTGGCCCT[G>T]TGCTAGGAACCTGGAGTAGAGCGTGTGCTCCGAGATCTTCGCATCTTCCGGATCTTTGAG-3'